The following is an entry in ClinVar:

ClinVar aggregate classification (germline): Uncertain significance (1 of 4 stars; one submission).

Conditions:
Beta-D-mannosidosis (MANSB). Also called: Beta-Mannosidosis; MANNOSIDOSIS, BETA A, LYSOSOMAL; BETA-MANNOSIDASE DEFICIENCY; LYSOSOMAL BETA-MANNOSIDASE DEFICIENCY. Identifiers: Orphanet 118, MedGen C4048196, MONDO:0009562, OMIM 248510.

Allele frequency attached by ClinVar (database versions not stated): gnomAD exomes 0.00002; ExAC 0.00002.
gnomAD v4.1: 6 of 1,613,300 alleles (0.00037%); highest among the groups gnomAD compares: East Asian, 0.011%; no homozygotes.

Submission:

Labcorp Genetics (formerly Invitae), Labcorp
Classification: Uncertain significance for Beta-D-mannosidosis. Last evaluated: 2022-08-16. Review status: criteria provided, single submitter. Criteria: Invitae Variant Classification Sherloc (09022015). Collection method: clinical testing. Allele origin: germline.
Comment: This sequence change replaces lysine, which is basic and polar, with glutamic acid, which is acidic and polar, at codon 616 of the MANBA protein (p.Lys616Glu). This variant is present in population databases (rs772091430, gnomAD 0.03%). This variant has not been reported in the literature in individuals affected with MANBA-related conditions. ClinVar contains an entry for this variant (Variation ID: 1503909). Algorithms developed to predict the effect of missense changes on protein structure and function (SIFT, PolyPhen-2, Align-GVGD) all suggest that this variant is likely to be tolerated. In summary, the available evidence is currently insufficient to determine the role of this variant in disease. Therefore, it has been classified as a Variant of Uncertain Significance.

NM_005908.4(MANBA):c.1846A>G (p.Lys616Glu)

Gene: MANBA (mannosidase beta; minus strand). Cytogenetic location: 4q24.
Variant type: single nucleotide variant.
Coding change: c.1846A>G on transcript NM_005908.4 (MANE Select); coding-DNA position 1846, A replaced by G.
Protein change: p.Lys616Glu; replaces lysine 616 with glutamic acid.
Molecular consequence: missense variant.
Genome position (GRCh38, 1-based): chr4:102,650,560, T>C on the plus strand (A>G on the coding strand, the complement: MANBA is on the minus strand). VCF-style: chr4-102650560-T-C. GRCh37 (hg19) VCF-style: chr4-103571717-T-C.
Other names: short protein forms K616E.
Identifiers: ClinVar variation 1503909 (VCV001503909.3), dbSNP rs772091430, ClinGen allele CA3026785.